The following is an entry in ClinVar:

NM_015443.4(KANSL1):c.1931T>C (p.Met644Thr)

Gene: KANSL1 (KAT8 regulatory NSL complex subunit 1). Cytogenetic location: 17q21.31.
Variant type: single nucleotide variant.
Coding change: c.1931T>C on transcript NM_015443.4 (MANE Select); coding-DNA position 1931, T replaced by C.
Protein change: p.Met644Thr; replaces methionine 644 with threonine.
Molecular consequence: missense variant.
Genome position (GRCh38, 1-based): chr17:46,050,622, A>G on the plus strand (T>C on the coding strand, the complement: KANSL1 is on the minus strand). VCF-style: chr17-46050622-A-G. GRCh37 (hg19) VCF-style: chr17-44127988-A-G.
Other names: c.1931T>C, p.Met644Thr (NM_001405855.1, NM_001405856.1, NM_001405857.1 and 14 more transcripts); c.1829T>C, p.Met610Thr (NM_001405859.1, NM_001405860.1, NM_001405861.1 and 1 more transcripts); c.665T>C, p.Met222Thr (NM_001405884.1, NM_001405885.1, NM_001405882.1 and 1 more transcripts); short protein forms M644T, M222T, M610T.
Identifiers: ClinVar variation 4760486 (VCV004760486.1).

ClinVar aggregate classification (germline): Uncertain significance (1 of 4 stars; one submission).

Conditions:
Koolen-de Vries syndrome (KDVS). Identifiers: Orphanet 96169, MedGen C1864871, MONDO:0012496, OMIM 610443.

Submission:

Labcorp Genetics (formerly Invitae), Labcorp
Classification: Uncertain significance for Koolen-de Vries syndrome. Last evaluated: 2025-09-03. Review status: criteria provided, single submitter. Criteria: Invitae Variant Classification Sherloc (09022015). Collection method: clinical testing. Allele origin: germline.
Comment: This sequence change replaces methionine, which is neutral and non-polar, with threonine, which is neutral and polar, at codon 644 of the KANSL1 protein (p.Met644Thr). This variant is not present in population databases (gnomAD no frequency). This variant has not been reported in the literature in individuals affected with KANSL1-related conditions. An algorithm developed to predict the effect of missense changes on protein structure and function outputs the following: PolyPhen-2: "Benign". The threonine amino acid residue is found in multiple mammalian species, which suggests that this missense change does not adversely affect protein function. In summary, the available evidence is currently insufficient to determine the role of this variant in disease. Therefore, it has been classified as a Variant of Uncertain Significance.